The following is an entry in ClinVar:

NM_001040108.2(MLH3):c.4170A>G (p.Pro1390=)

Gene: MLH3 (mutL homolog 3; minus strand). Cytogenetic location: 14q24.3.
Variant type: single nucleotide variant.
Coding change: c.4170A>G on transcript NM_001040108.2 (MANE Select); coding-DNA position 4170, A replaced by G.
Protein change: p.Pro1390=; no amino-acid change (proline 1390 retained).
Molecular consequence: synonymous variant.
Genome position (GRCh38, 1-based): chr14:75,018,901, T>C on the plus strand (A>G on the coding strand, the complement: MLH3 is on the minus strand). VCF-style: chr14-75018901-T-C. GRCh37 (hg19) VCF-style: chr14-75485604-T-C.
Other names: c.4098A>G, p.Pro1366= (NM_014381.3).
Identifiers: ClinVar variation 695398 (VCV000695398.15), dbSNP rs192384476, ClinGen allele CA7275209.

ClinVar aggregate classification (germline): Benign/Likely benign. Review status: criteria provided, multiple submitters, no conflicts (2 of 4 stars). 4 submissions from 4 submitters: Benign (1); Likely benign (3). Last evaluated 2026-05-06.

Conditions:
Colorectal cancer, hereditary nonpolyposis, type 7. Identifiers: Orphanet 144, MedGen C1858380, MONDO:0013725, OMIM 614385.

Allele frequency attached by ClinVar (database versions not stated): ExAC 0.00002; gnomAD exomes 0.00002 and 0.00003; gnomAD 0.00003 and 0.00004; TOPMed 0.00008; 1000 Genomes Project 30x 0.00016; 1000 Genomes Project 0.00020.
gnomAD v4.1: 56 of 1,614,174 alleles (0.0035%); highest among the groups gnomAD compares: Middle Eastern, 0.033%; no homozygotes.

Submissions (4):

Myriad Genetics, Inc.
Classification: Benign for Colorectal cancer, hereditary nonpolyposis, type 7. Last evaluated: 2026-05-06. Review status: criteria provided, single submitter. Criteria: Myriad Autosomal Dominant, Autosomal Recessive and X-Linked Classification Criteria (2023). Collection method: clinical testing. Allele origin: unknown.
Comment: This variant is considered benign. This variant is a silent/synonymous amino acid change and it is not expected to impact splicing.

Labcorp Genetics (formerly Invitae), Labcorp
Classification: Likely benign for Colorectal cancer, hereditary nonpolyposis, type 7. Last evaluated: 2025-09-03. Review status: criteria provided, single submitter. Criteria: Invitae Variant Classification Sherloc (09022015). Collection method: clinical testing. Allele origin: germline.

Blueprint Genetics
Classification: Likely benign. Last evaluated: 2024-07-02. Review status: criteria provided, single submitter. Criteria: ACMG Guidelines, 2015. Collection method: clinical testing. Allele origin: germline.

Ambry Genetics
Classification: Likely benign. Last evaluated: 2021-03-18. Review status: criteria provided, single submitter. Criteria: Ambry Variant Classification Scheme 2023. Collection method: clinical testing. Allele origin: germline.